The following is an entry in ClinVar:

NM_134261.3(RORA):c.166+107531A>G

Gene: RORA (RAR related orphan receptor A; minus strand). Cytogenetic location: 15q22.2.
Variant type: single nucleotide variant.
Coding change: c.166+107531A>G on transcript NM_134261.3 (MANE Select); 107531 bases into the intron after coding-DNA position 166, A replaced by G.
Molecular consequence: intron variant.
Genome position (GRCh38, 1-based): chr15:61,121,522, T>C on the plus strand (A>G on the coding strand, the complement: RORA is on the minus strand). VCF-style: chr15-61121522-T-C. GRCh37 (hg19) VCF-style: chr15-61413721-T-C.
Identifiers: ClinVar variation 4883159 (VCV004883159.2).
Genomic context (GRCh38, chr15:61,121,522, plus strand): 5'-TGCAAAGCAGGAAGCCTGAAGTCAGCAATGATTAAACTGCCCCTTGAAACCCTTAGCTAC[T>C]TGCACGTCTCTTTGTCTTTGGGGTCTCATCTCAGCAATTCGTTTCAGCTTCAGTCTGCAC-3'

ClinVar aggregate classification (germline): Uncertain significance (1 of 4 stars; one submission).

gnomAD v4.1: 2 of 152,164 alleles (0.0013%); no homozygotes.

Submission:

Dasa
Classification: Uncertain significance. Last evaluated: 2026-02-03. Review status: criteria provided, single submitter. Criteria: DASA Assertion Criteria. Collection method: clinical testing. Allele origin: germline.
Comment: NM_134261.3(RORA):c.166+107531A>G is an intronic variant. This variant is rare in population databases. Computational prediction algorithms are consistent with a deleterious effect. The currently available literature and clinical evidence are not sufficient to establish a definitive association between this variant and the reported condition. Therefore, this variant is classified as a variant of uncertain significance.